The following is an entry in ClinVar:

ClinVar aggregate classification (germline): Uncertain significance (1 of 4 stars; one submission).

Submission:

Labcorp Genetics (formerly Invitae), Labcorp
Classification: Uncertain significance. Last evaluated: 2022-12-06. Review status: criteria provided, single submitter. Criteria: Invitae Variant Classification Sherloc (09022015). Collection method: clinical testing. Allele origin: germline.
Comment: In summary, the available evidence is currently insufficient to determine the role of this variant in disease. Therefore, it has been classified as a Variant of Uncertain Significance. Algorithms developed to predict the effect of missense changes on protein structure and function (SIFT, PolyPhen-2, Align-GVGD) all suggest that this variant is likely to be tolerated. This variant has not been reported in the literature in individuals affected with ANKZF1-related conditions. This variant is not present in population databases (gnomAD no frequency). This sequence change replaces lysine, which is basic and polar, with arginine, which is basic and polar, at codon 107 of the ANKZF1 protein (p.Lys107Arg).

NM_018089.3(ANKZF1):c.320A>G (p.Lys107Arg)

Gene: ANKZF1 (ankyrin repeat and zinc finger peptidyl tRNA hydrolase 1; plus strand). Cytogenetic location: 2q35.
Variant type: single nucleotide variant.
Coding change: c.320A>G on transcript NM_018089.3 (MANE Select); coding-DNA position 320, A replaced by G.
Protein change: p.Lys107Arg; replaces lysine 107 with arginine.
Molecular consequence: missense variant. On other transcripts: intron variant (1).
Genome position (GRCh38, 1-based): chr2:219,232,318, A>G. VCF-style: chr2-219232318-A-G. GRCh37 (hg19) VCF-style: chr2-220097040-A-G.
Other names: c.320A>G, p.Lys107Arg (NM_001042410.2); c.-266-172A>G (NM_001282792.2); short protein forms K107R.
Identifiers: ClinVar variation 2818991 (VCV002818991.3), dbSNP rs2544912772, ClinGen allele CA350672940.